The following is an entry in ClinVar:

NM_000494.4(COL17A1):c.340del (p.Ser114fs)

Gene: COL17A1 (collagen type XVII alpha 1 chain; minus strand). Cytogenetic location: 10q25.1.
Variant type: Deletion.
Coding change: c.340del on transcript NM_000494.4 (MANE Select); coding-DNA position 340, one base deleted (A; older notation c.340delA).
Protein change: p.Ser114fs; shifts the reading frame from serine 114.
Molecular consequence: frameshift variant.
Genome position (GRCh38, 1-based): chr10:104,074,223, T deleted on the plus strand (A on the coding strand, the reverse complement: COL17A1 is on the minus strand). VCF-style (leftmost placement, unchanged base first): chr10-104074222-CT-C. GRCh37 (hg19) VCF-style: chr10-105833980-CT-C.
Other names: c.340del (NM_000494.3); short protein forms S114fs.
Identifiers: ClinVar variation 2211005 (VCV002211005.12), dbSNP rs766864711, ClinGen allele CA5679475.

ClinVar aggregate classification (germline): Pathogenic/Likely pathogenic. Review status: criteria provided, multiple submitters, no conflicts (2 of 4 stars). 7 submissions from 7 submitters: Pathogenic (3); Likely pathogenic (2). 2 of the submissions do not count toward it. Last evaluated 2025-11-03.

Conditions:
Epithelial recurrent erosion dystrophy (ERED). Also called: CORNEAL EROSIONS, RECURRING HEREDITARY. Identifiers: Orphanet 293381, MedGen C1852551, MONDO:0007381, OMIM 122400.
Epidermolysis bullosa, junctional 4, intermediate. Also called: Epidermolysis bullosa, junctional, localisata variant; EPIDERMOLYSIS BULLOSA, JUNCTIONAL 4, NON-HERLITZ TYPE; EPIDERMOLYSIS BULLOSA, GENERALIZED ATROPHIC BENIGN. Identifiers: MedGen C2608084, MONDO:0030750, OMIM 619787.
COL17A1-related disorders.
Inborn genetic diseases. Identifiers: MedGen C0950123, MeSH D030342.
COL17A1-related disorder. Also called: COL17A1-related condition.
Amelogenesis imperfecta type 1A. Also called: AMELOGENESIS IMPERFECTA, HYPOPLASTIC TYPE IA; Amelogenesis imperfecta, type IA; Amelogenesis imperfecta local hypoplastic; Amelogenesis imperfecta, hypoplastic type. Identifiers: Orphanet 88661, MedGen C4011403, MONDO:0007094, OMIM 104530.

Allele frequency attached by ClinVar (database versions not stated): TOPMed below 0.00001; gnomAD 0.00001; ExAC 0.00002; gnomAD exomes 0.00004.

Submissions (7):

Labcorp Genetics (formerly Invitae), Labcorp
Classification: Pathogenic. Last evaluated: 2025-11-03. Review status: criteria provided, single submitter. Criteria: Invitae Variant Classification Sherloc (09022015). Collection method: clinical testing. Allele origin: germline.
Comment: This sequence change creates a premature translational stop signal (p.Ser114Valfs*60) in the COL17A1 gene. It is expected to result in an absent or disrupted protein product. Loss-of-function variants in COL17A1 are known to be pathogenic (PMID: 16473856, 17344927, 20301304, 21357940, 24319098). This variant is present in population databases (rs766864711, gnomAD 0.004%). This variant has not been reported in the literature in individuals affected with COL17A1-related conditions. ClinVar contains an entry for this variant (Variation ID: 2211005). For these reasons, this variant has been classified as Pathogenic.

GeneDx
Classification: Pathogenic. Last evaluated: 2025-06-10. Review status: criteria provided, single submitter. Criteria: GeneDx Variant Classification Process June 2021. Collection method: clinical testing. Allele origin: germline.
Comment: Frameshift variant predicted to result in protein truncation or nonsense mediated decay in a gene for which loss-of-function is a known mechanism of disease; This variant is associated with the following publications: (PMID: 37979963)

Fulgent Genetics
Classification: Likely pathogenic for Epithelial recurrent erosion dystrophy; Epidermolysis bullosa, junctional 4, intermediate. Last evaluated: 2024-06-18. Review status: criteria provided, single submitter. Criteria: ACMG Guidelines, 2015. Collection method: clinical testing. Allele origin: germline.

Blueprint Genetics
Classification: Likely pathogenic for COL17A1-related disorders. Last evaluated: 2022-09-13. Review status: criteria provided, single submitter. Criteria: ACMG Guidelines, 2015. Collection method: clinical testing. Allele origin: germline. Affected: yes. Observed: 1 variant allele.

Ambry Genetics
Classification: Pathogenic for Inborn genetic diseases. Last evaluated: 2022-03-24. Review status: criteria provided, single submitter. Criteria: Ambry Variant Classification Scheme 2023. Collection method: clinical testing. Allele origin: germline.
Comment: The c.340delA (p.S114Vfs*60) alteration, located in exon 6 (coding exon 5) of the COL17A1 gene, consists of a deletion of one nucleotide at position 340, causing a translational frameshift with a predicted alternate stop codon after 60 amino acids. This alteration is expected to result in loss of function by premature protein truncation or nonsense-mediated mRNA decay. Based on data from gnomAD, this alteration has an overall frequency of 0.0016% (4/251338) total alleles studied. The highest observed frequency was 0.0035% (4/113650) of European (non-Finnish) alleles. Based on the available evidence, this alteration is classified as pathogenic.

PreventionGenetics, part of Exact Sciences
Classification: Pathogenic for COL17A1-related condition. Last evaluated: 2024-08-26. Review status: no assertion criteria provided. Collection method: clinical testing. Allele origin: germline. Not counted in ClinVar's aggregate classification.
Comment: The COL17A1 c.340delA variant is predicted to result in a frameshift and premature protein termination (p.Ser114Valfs*60). To our knowledge, this variant has not been reported in the literature. This variant is reported in 0.0035% of alleles in individuals of European (Non-Finnish) descent in gnomAD. Other predicted loss-of-function variants up- and downstream of this variant, including at least one variant within the same exon, have been reported in patients with epidermolysis bullosa (Human Gene Mutation Database; Vahidnezhad et al. 2019. PubMed ID: 29364557). Therefore, this variant is interpreted as pathogenic.

Leeds Amelogenesis Imperfecta Research Group, University of Leeds
Classification: Pathogenic for Amelogenesis imperfecta type 1A. Last evaluated: 2023-07-12. Review status: no assertion criteria provided. Collection method: research. Allele origin: unknown. Inheritance: Autosomal dominant inheritance. Affected: yes. Not counted in ClinVar's aggregate classification.

Literature cited by the submitters: PubMed 16473856 (cited by Labcorp Genetics (formerly Invitae), Labcorp); PubMed 17344927 (cited by Labcorp Genetics (formerly Invitae), Labcorp); PubMed 20301304 (cited by Labcorp Genetics (formerly Invitae), Labcorp); PubMed 21357940 (cited by Labcorp Genetics (formerly Invitae), Labcorp); PubMed 24319098 (cited by Labcorp Genetics (formerly Invitae), Labcorp).